The following is an entry in ClinVar:

ClinVar aggregate classification (germline): Benign. Review status: criteria provided, multiple submitters, no conflicts (2 of 4 stars). 5 submissions from 5 submitters: Benign (5). Last evaluated 2026-02-04.

Conditions:
Congenital microvillous atrophy (DIAR2). Also called: DAVIDSON DISEASE; MICROVILLUS ATROPHY, CONGENITAL; Microvillus inclusion disease; Diarrhea 2 with microvillus atrophy, with or without cholestasis; CONGENITAL FAMILIAL PROTRACTED DIARRHEA WITH ENTEROCYTE BRUSH-BORDER ABNORMALITIES. Identifiers: Orphanet 2290, MedGen C0341306, MONDO:0009635, OMIM 251850.

Allele frequency attached by ClinVar (database versions not stated): ESP Exome Variant Server 0.01362; gnomAD 0.02361 and 0.02940; TOPMed 0.03076; gnomAD exomes 0.03493 and 0.05892; ExAC 0.05851; 1000 Genomes Project 30x 0.07823; 1000 Genomes Project 0.08367.
gnomAD v4.1: 55,510 of 1,614,104 alleles (3.4%); highest among the groups gnomAD compares: East Asian, 26%; 2,881 homozygotes.

Submissions (5):

Labcorp Genetics (formerly Invitae), Labcorp
Classification: Benign. Last evaluated: 2026-02-04. Review status: criteria provided, single submitter. Criteria: Invitae Variant Classification Sherloc (09022015). Collection method: clinical testing. Allele origin: germline.

Mayo Clinic Laboratories, Mayo Clinic
Classification: Benign. Last evaluated: 2022-09-06. Review status: criteria provided, single submitter. Criteria: ACMG Guidelines, 2015. Collection method: clinical testing. Allele origin: germline. Observed: 3 variant alleles.

GeneDx
Classification: Benign. Last evaluated: 2021-06-09. Review status: criteria provided, single submitter. Criteria: GeneDx Variant Classification Process June 2021. Collection method: clinical testing. Allele origin: germline. Affected: yes.

Illumina Laboratory Services, Illumina
Classification: Benign for Congenital microvillous atrophy. Last evaluated: 2018-01-12. Review status: criteria provided, single submitter. Criteria: ICSL Variant Classification Criteria 13 December 2019. Collection method: clinical testing. Allele origin: germline.
Comment: This variant was observed in the ICSL laboratory as part of a predisposition screen in an ostensibly healthy population. It had not been previously curated by ICSL or reported in the Human Gene Mutation Database (HGMD: prior to June 1st, 2018), and was therefore a candidate for classification through an automated scoring system. Utilizing variant allele frequency, disease prevalence and penetrance estimates, and inheritance mode, an automated score was calculated to assess if this variant is too frequent to cause the disease. Based on the score and internal cut-off values, a variant classified as benign is not then subjected to further curation. The score for this variant resulted in a classification of benign for this disease.

Breakthrough Genomics
Classification: Benign. Review status: criteria provided, single submitter. Criteria: ACMG Guidelines, 2015. Collection method: not provided. Allele origin: germline. Inheritance: Autosomal recessive inheritance. Affected: yes.

NM_001080467.3(MYO5B):c.1206C>T (p.Asn402=)

Gene: MYO5B (myosin VB; minus strand). Cytogenetic location: 18q21.1.
Variant type: single nucleotide variant.
Coding change: c.1206C>T on transcript NM_001080467.3 (MANE Select); coding-DNA position 1206, C replaced by T.
Protein change: p.Asn402=; no amino-acid change (asparagine 402 retained).
Molecular consequence: synonymous variant.
Genome position (GRCh38, 1-based): chr18:49,974,466, G>A on the plus strand (C>T on the coding strand, the complement: MYO5B is on the minus strand). VCF-style: chr18-49974466-G-A. GRCh37 (hg19) VCF-style: chr18-47500836-G-A.
Other names: p.Asn402=.
Identifiers: ClinVar variation 327069 (VCV000327069.16), dbSNP rs11082795, ClinGen allele CA8961611.